The following is an entry in ClinVar:

ClinVar aggregate classification (germline): Uncertain significance. Review status: criteria provided, multiple submitters, no conflicts (2 of 4 stars). 3 submissions from 3 submitters: Uncertain significance (3). Last evaluated 2025-06-02.

Conditions:
Inborn genetic diseases. Identifiers: MedGen C0950123, MeSH D030342.
Lafora disease. Also called: Progressive Myoclonus Epilepsy, Lafora Type; Epilepsy progressive myoclonic 2. Identifiers: Orphanet 501, MedGen C0751783, MONDO:0009697.

Allele frequency attached by ClinVar (database versions not stated): TOPMed 0.00003; ExAC 0.00004; gnomAD 0.00004; gnomAD exomes 0.00004 and 0.00007; ESP Exome Variant Server 0.00008.

Submissions (3):

Labcorp Genetics (formerly Invitae), Labcorp
Classification: Uncertain significance for Lafora disease. Last evaluated: 2025-06-02. Review status: criteria provided, single submitter. Criteria: Invitae Variant Classification Sherloc (09022015). Collection method: clinical testing. Allele origin: germline.
Comment: This sequence change replaces serine, which is neutral and polar, with threonine, which is neutral and polar, at codon 364 of the NHLRC1 protein (p.Ser364Thr). This variant is present in population databases (rs370044232, gnomAD 0.01%). This variant has not been reported in the literature in individuals affected with NHLRC1-related conditions. ClinVar contains an entry for this variant (Variation ID: 206181). Invitae Evidence Modeling of protein sequence and biophysical properties (such as structural, functional, and spatial information, amino acid conservation, physicochemical variation, residue mobility, and thermodynamic stability) indicates that this missense variant is not expected to disrupt NHLRC1 protein function with a negative predictive value of 95%. In summary, the available evidence is currently insufficient to determine the role of this variant in disease. Therefore, it has been classified as a Variant of Uncertain Significance.

Ambry Genetics
Classification: Uncertain significance for Inborn genetic diseases. Last evaluated: 2024-05-24. Review status: criteria provided, single submitter. Criteria: Ambry Variant Classification Scheme 2023. Collection method: clinical testing. Allele origin: germline.

GeneDx
Classification: Uncertain significance. Last evaluated: 2016-10-21. Review status: criteria provided, single submitter. Criteria: GeneDx Variant Classification (06012015). Collection method: clinical testing. Allele origin: germline. Affected: yes.
Comment: The S364T variant has not been published as a pathogenic variant, nor has it been reported as a benign variant to our knowledge. It was not observed with any significant frequency in approximately 6,500 individuals of European and African American ancestry in the NHLBI Exome Sequencing Project. The S364T variant is a conservative amino acid substitution, which is not likely to impact secondary protein structure as these residues share similar properties. This substitution occurs at a position that is not conserved, and in silico analysis predicts this variant likely does not alter the protein structure/function. Based on the currently available information, it is unclear whether this variant is a pathogenic variant or a rare benign variant.

NM_198586.3(NHLRC1):c.1090T>A (p.Ser364Thr)

Gene: NHLRC1 (NHL repeat containing E3 ubiquitin protein ligase 1; minus strand). Cytogenetic location: 6p22.3.
Variant type: single nucleotide variant.
Coding change: c.1090T>A on transcript NM_198586.3 (MANE Select); coding-DNA position 1090, T replaced by A.
Protein change: p.Ser364Thr; replaces serine 364 with threonine.
Molecular consequence: missense variant.
Genome position (GRCh38, 1-based): chr6:18,121,517, A>T on the plus strand (T>A on the coding strand, the complement: NHLRC1 is on the minus strand). VCF-style: chr6-18121517-A-T. GRCh37 (hg19) VCF-style: chr6-18121748-A-T.
Other names: p.S364T:TCG>ACG; short protein forms S364T.
Identifiers: ClinVar variation 206181 (VCV000206181.11), dbSNP rs370044232, ClinGen allele CA316018.